The following is an entry in ClinVar:

NM_000127.3(EXT1):c.1965del (p.Leu656fs)

Gene: EXT1 (exostosin glycosyltransferase 1; minus strand). Cytogenetic location: 8q24.11.
Variant type: Deletion.
Coding change: c.1965del on transcript NM_000127.3 (MANE Select); coding-DNA position 1965, one base deleted (T; older notation c.1965delT).
Protein change: p.Leu656fs; shifts the reading frame from leucine 656.
Molecular consequence: frameshift variant.
Genome position (GRCh38, 1-based): chr8:117,804,812, A deleted on the plus strand (T on the coding strand, the reverse complement: EXT1 is on the minus strand); the first of 2 consecutive A bases (chr8:117,804,812-117,804,813); deleting either gives the same sequence. VCF-style (leftmost placement, unchanged base first): chr8-117804811-GA-G. GRCh37 (hg19) VCF-style: chr8-118817050-GA-G.
Other names: short protein forms L656fs.
Identifiers: ClinVar variation 937002 (VCV000937002.7), dbSNP rs1823213816, ClinGen allele CA1139660715.

ClinVar aggregate classification (germline): Pathogenic (1 of 4 stars; one submission).

Conditions:
Multiple congenital exostosis (EXT). Also called: Multiple exostoses; Hereditary multiple exostoses; Hereditary multiple exostosis; Hereditary multiple osteochondromas; MULTIPLE CARTILAGINOUS EXOSTOSES; Multiple osteochondromas. Identifiers: Orphanet 321, MedGen C0015306, MONDO:0005508, HP:0002762.

Submission:

Labcorp Genetics (formerly Invitae), Labcorp
Classification: Pathogenic for Multiple congenital exostosis. Last evaluated: 2019-09-17. Review status: criteria provided, single submitter. Criteria: Invitae Variant Classification Sherloc (09022015). Collection method: clinical testing. Allele origin: germline.
Comment: This sequence change creates a premature translational stop signal (p.Leu656Serfs*2) in the EXT1 gene. It is expected to result in an absent or disrupted protein product. This variant is not present in population databases (ExAC no frequency). This variant has not been reported in the literature in individuals with EXT1-related conditions. Loss-of-function variants in EXT1 are known to be pathogenic (PMID: 10679937, 11391482, 19810120). For these reasons, this variant has been classified as Pathogenic.

Literature cited by the submitters: PubMed 10679937; PubMed 11391482; PubMed 19810120.